The following is an entry in ClinVar:

ClinVar aggregate classification (germline): Uncertain significance (1 of 4 stars; one submission).

Submission:

Ambry Genetics
Classification: Uncertain significance. Last evaluated: 2022-09-08. Review status: criteria provided, single submitter. Criteria: Ambry Variant Classification Scheme 2023. Collection method: clinical testing. Allele origin: germline.
Comment: The p.N442H variant (also known as c.1324A>C), located in coding exon 13 of the KIF1B gene, results from an A to C substitution at nucleotide position 1324. The asparagine at codon 442 is replaced by histidine, an amino acid with similar properties. This amino acid position is conserved. In addition, the in silico prediction for this alteration is inconclusive. Since supporting evidence is limited at this time, the clinical significance of this alteration remains unclear.

NM_001365951.3(KIF1B):c.1462A>C (p.Asn488His)

Gene: KIF1B (kinesin family member 1B; plus strand). Cytogenetic location: 1p36.22.
Variant type: single nucleotide variant.
Coding change: c.1462A>C on transcript NM_001365951.3 (MANE Select); coding-DNA position 1462, A replaced by C.
Protein change: p.Asn488His; replaces asparagine 488 with histidine.
Molecular consequence: missense variant.
Genome position (GRCh38, 1-based): chr1:10,291,109, A>C. VCF-style: chr1-10291109-A-C. GRCh37 (hg19) VCF-style: chr1-10351167-A-C.
Other names: c.1462A>C, p.Asn488His (NM_001365952.1); c.1324A>C, p.Asn442His (NM_001365953.1, NM_015074.3, NM_183416.4); short protein forms N488H, N442H.
Identifiers: ClinVar variation 1769963 (VCV001769963.2), dbSNP rs1649974642, ClinGen allele CA338312969.